The following is an entry in ClinVar:

ClinVar aggregate classification (germline): Uncertain significance (1 of 4 stars; one submission).

Conditions:
TFG-related disorder. Also called: TFG-related disorders; TFG-related condition.

gnomAD v4.1: 3 of 1,613,956 alleles (0.00019%); highest among the groups gnomAD compares: Admixed American, 0.005%; no homozygotes.

Submission:

PreventionGenetics, part of Exact Sciences
Classification: Uncertain significance for TFG-related condition. Last evaluated: 2026-04-07. Review status: criteria provided, single submitter. Criteria: ACMG Guidelines, 2015. Collection method: clinical testing. Allele origin: germline.
Comment: The TFG c.682C>T variant is predicted to result in the amino acid substitution p.Pro228Ser. To our knowledge, this variant has not been reported in the literature. This variant is reported in 0.0087% of alleles in individuals of Latino descent in gnomAD. At this time, the clinical significance of this variant is uncertain due to the absence of conclusive functional and genetic evidence.

NM_006070.6(TFG):c.682C>T (p.Pro228Ser)

Gene: TFG (trafficking from ER to golgi regulator; plus strand). Cytogenetic location: 3q12.2.
Variant type: single nucleotide variant.
Coding change: c.682C>T on transcript NM_006070.6 (MANE Select); coding-DNA position 682, C replaced by T.
Protein change: p.Pro228Ser; replaces proline 228 with serine.
Molecular consequence: missense variant.
Genome position (GRCh38, 1-based): chr3:100,736,677, C>T. VCF-style: chr3-100736677-C-T. GRCh37 (hg19) VCF-style: chr3-100455521-C-T.
Other names: c.682C>T, p.Pro228Ser (NM_001007565.2, NM_001195478.2, NM_001195479.2); short protein forms P228S.
Identifiers: ClinVar variation 4989371 (VCV004989371.1).
Genomic context (GRCh38, chr3:100,736,677, plus strand): 5'-GACAGCATTGCTTCCTCCTCCTCAGCAGCTCACCCACCAGGCGTTCAGCCACAGCAGCCA[C>T]CATATACAGGAGCTCAGACTCAAGCAGGTCAGATTGAAGGTAAAATAGAGTTTAGAACAC-3'
Protein context (NP_006061.2, residues 218-238): HPPGVQPQQP[Pro228Ser]YTGAQTQAGQ